The following is an entry in ClinVar:

NM_000492.4(CFTR):c.3190A>G (p.Thr1064Ala)

Genes: CFTR (CF transmembrane conductance regulator; plus strand), CFTR-AS2 (CFTR antisense RNA 2; minus strand), LOC111674472 (DNase I hypersensitive sites in introns 16 and 17a of CFTR; plus strand). Cytogenetic location: 7q31.2.
Variant type: single nucleotide variant.
Coding change: c.3190A>G on transcript NM_000492.4 (MANE Select); coding-DNA position 3190, A replaced by G.
Protein change: p.Thr1064Ala; replaces threonine 1064 with alanine.
Molecular consequence: missense variant.
Genome position (GRCh38, 1-based): chr7:117,611,631, A>G. VCF-style: chr7-117611631-A-G. GRCh37 (hg19) VCF-style: chr7-117251685-A-G.
Other names: p.Thr1064Ala; short protein forms T1064A.
Identifiers: ClinVar variation 1693961 (VCV001693961.5), dbSNP rs1792387784, ClinGen allele CA368992019.

ClinVar aggregate classification (germline): Uncertain significance. Review status: criteria provided, multiple submitters, no conflicts (2 of 4 stars). 2 submissions from 2 submitters: Uncertain significance (2). Last evaluated 2022-01-20.

Conditions:
Cystic fibrosis (CF). Also called: MUCOVISCIDOSIS. Identifiers: Orphanet 586, MedGen C0010674, MONDO:0009061, OMIM 219700. Disease mechanism: loss of function.

Allele frequency attached by ClinVar (database versions not stated): gnomAD 0.00001; TOPMed below 0.00001.
gnomAD v4.1: 1 of 1,613,452 alleles (0.000062%); highest among the groups gnomAD compares: Non-Finnish European, 0.000085%; no homozygotes.

Submissions (2):

Johns Hopkins Genomics, Johns Hopkins University
Classification: Uncertain significance for Cystic fibrosis. Last evaluated: 2022-01-20. Review status: criteria provided, single submitter. Criteria: ACMG Guidelines, 2015. Collection method: clinical testing. Allele origin: germline.
Comment: This CFTR variant is absent from a large population dataset and has not been reported in ClinVar nor the literature, to our knowledge. This variant is in a region of CFTR that contains multiple disease-associated variants. Three bioinformatic tools queried predict that this substitution would be damaging and the theonine residue at this position is evolutionarily conserved across most species assessed. Due to insufficient evidence that this variant is deleterious, we consider the clinical significance of CFTR c.3190A>G to be uncertain at this time.

Mayo Clinic Laboratories, Mayo Clinic
Classification: Uncertain significance. Last evaluated: 2021-04-27. Review status: criteria provided, single submitter. Criteria: ACMG Guidelines, 2015. Collection method: clinical testing. Allele origin: germline.

Literature cited by the submitters: PubMed 8662892 (cited by Johns Hopkins Genomics, Johns Hopkins University).